The following is an entry in ClinVar:

ClinVar aggregate classification (germline): Pathogenic. Review status: criteria provided, multiple submitters, no conflicts (2 of 4 stars). 4 submissions from 4 submitters: Pathogenic (4). Last evaluated 2025-01-28.

Conditions:
Acid sphingomyelinase deficiency. Identifiers: Orphanet 618899, MedGen C5243927, MONDO:0100464.
Niemann-Pick disease, type A. Also called: Infantile Neurovisceral ASMD (Niemann-Pick Disease Type A; NPD-A); SPHINGOMYELIN LIPIDOSIS; SPHINGOMYELINASE DEFICIENCY. Identifiers: Orphanet 77292, MedGen C0268242, MONDO:0009756, OMIM 257200. Disease mechanism: loss of function.
Niemann-Pick disease, type B. Also called: Chronic Visceral ASMD (Niemann-Pick Disease Type B; NPD-B). Identifiers: Orphanet 77293, MedGen C0268243, MONDO:0011871, OMIM 607616. Disease mechanism: loss of function.

Submissions (4):

Myriad Genetics, Inc.
Classification: Pathogenic for Acid sphingomyelinase deficiency. Last evaluated: 2025-01-28. Review status: criteria provided, single submitter. Criteria: Myriad Autosomal Dominant, Autosomal Recessive and X-Linked Classification Criteria (2023). Collection method: clinical testing. Allele origin: unknown.
Comment: NM_000543.4(SMPD1):c.742G>T(E248*) is a nonsense variant classified as pathogenic in the context of Niemann-Pick disease, SMPD1-related. E248* has been observed in cases with relevant disease (PMID: 23356216). Relevant functional assessments of this variant are not available in the literature. E248* has not been observed in referenced population frequency databases. In summary, NM_000543.4(SMPD1):c.742G>T(E248*) is a nonsense variant in a gene where loss of function is a known mechanism of disease, is predicted to disrupt protein function, and has been observed more frequently in cases with the relevant disease than in healthy populations. Please note: this variant was assessed in the context of healthy population screening.

Natera, Inc.
Classification: Pathogenic for Niemann-Pick Disease, Types A/B. Last evaluated: 2024-03-29. Review status: criteria provided, single submitter. Criteria: Natera Variant Classification Schema (03/2026). Collection method: clinical testing. Allele origin: germline.
Comment: The c.742G>T variant in SMPD1 is a nonsense variant predicted to introduce a stop codon at amino acid 248. This variant is expected to result in nonsense mediated decay, truncation, or a dysfunctional protein product. This variant is rare in the general population with a frequency below the threshold expected for the associated phenotype(s). This variant has been observed in one or more individuals affected with the associated recessive disease, as either homozygous or compound heterozygous with a second variant (PMID: 23356216). Given the available evidence, this variant is classified as Pathogenic.

Baylor Genetics
Classification: Pathogenic for Niemann-Pick disease, type A. Last evaluated: 2024-02-08. Review status: criteria provided, single submitter. Criteria: ACMG Guidelines, 2015. Collection method: clinical testing. Allele origin: unknown.

Labcorp Genetics (formerly Invitae), Labcorp
Classification: Pathogenic for Niemann-Pick disease, type B; Niemann-Pick disease, type A. Last evaluated: 2023-05-16. Review status: criteria provided, single submitter. Criteria: Invitae Variant Classification Sherloc (09022015). Collection method: clinical testing. Allele origin: germline.
Comment: This sequence change creates a premature translational stop signal (p.Glu248*) in the SMPD1 gene. It is expected to result in an absent or disrupted protein product. Loss-of-function variants in SMPD1 are known to be pathogenic (PMID: 12369017, 15221801). This variant is not present in population databases (gnomAD no frequency). This premature translational stop signal has been observed in individual(s) with Niemann-Pick disease type A (PMID: 23356216). ClinVar contains an entry for this variant (Variation ID: 1427800). For these reasons, this variant has been classified as Pathogenic.

Literature cited by the submitters: PubMed 23356216 (cited by 3 submitters); PubMed 12369017 (cited by Labcorp Genetics (formerly Invitae), Labcorp); PubMed 15221801 (cited by Labcorp Genetics (formerly Invitae), Labcorp).

NM_000543.5(SMPD1):c.742G>T (p.Glu248Ter)

Gene: SMPD1 (sphingomyelin phosphodiesterase 1; plus strand). Cytogenetic location: 11p15.4.
Variant type: single nucleotide variant.
Coding change: c.742G>T on transcript NM_000543.5 (MANE Select); coding-DNA position 742, G replaced by T.
Protein change: p.Glu248Ter; replaces glutamic acid 248 with a stop codon.
Molecular consequence: nonsense. On other transcripts: 5 prime UTR variant (1), non-coding transcript variant (1).
Genome position (GRCh38, 1-based): chr11:6,391,807, G>T. VCF-style: chr11-6391807-G-T. GRCh37 (hg19) VCF-style: chr11-6413037-G-T.
Other names: c.739G>T, p.Glu247Ter (NM_001007593.3); c.742G>T, p.Glu248Ter (NM_001318087.2, NM_001365135.2); c.-220G>T (NM_001318088.2); c.742G>T (NM_000543.4); short protein forms E247*, E248*.
Identifiers: ClinVar variation 1427800 (VCV001427800.7), dbSNP rs200763423, ClinGen allele CA217299533.
Genomic context (GRCh38, chr11:6,391,807, plus strand): 5'-TGCTGCCGCCGGGGTTCTGGCCTGCCGCCCGCATCCCGGCCAGGTGCCGGATACTGGGGC[G>T]AATACAGCAAGTGTGACCTGCCCCTGAGGACCCTGGAGAGCCTGTTGAGTGGGCTGGGCC-3'